The following is an entry in ClinVar:

ClinVar aggregate classification (germline): Benign/Likely benign. Review status: criteria provided, multiple submitters, no conflicts (2 of 4 stars). 8 submissions from 8 submitters: Benign (3); Likely benign (4). 1 of the submissions does not count toward it. Last evaluated 2026-01-31.

Conditions:
Fanconi anemia (FA). Also called: Fanconi's anemia. Identifiers: Orphanet 84, MedGen C0015625, MeSH D005199, MONDO:0019391.
Fanconi anemia complementation group A (FANCA). Also called: FANCA-Related Fanconi Anemia; Fanconi anemia, group A. Identifiers: Orphanet 84, MedGen C3469521, MONDO:0009215, OMIM 227650.

Allele frequency attached by ClinVar (database versions not stated): gnomAD 0.00001 and 0.00029; TOPMed 0.00005; 1000 Genomes Project 30x 0.00094; 1000 Genomes Project 0.00120; gnomAD exomes 0.00128; ExAC 0.00181.
gnomAD v4.1: 926 of 1,607,800 alleles (0.058%); highest among the groups gnomAD compares: South Asian, 0.98%; 11 homozygotes.

Submissions (8):

Labcorp Genetics (formerly Invitae), Labcorp
Classification: Benign for Fanconi anemia. Last evaluated: 2026-01-31. Review status: criteria provided, single submitter. Criteria: Invitae Variant Classification Sherloc (09022015). Collection method: clinical testing. Allele origin: germline.

Blueprint Genetics
Classification: Benign. Last evaluated: 2024-11-07. Review status: criteria provided, single submitter. Criteria: ACMG Guidelines, 2015. Collection method: clinical testing. Allele origin: germline.

KCCC/NGS Laboratory, Kuwait Cancer Control Center
Classification: Likely benign for Fanconi anemia complementation group A. Last evaluated: 2023-07-07. Review status: criteria provided, single submitter. Criteria: ACMG Guidelines, 2015. Collection method: clinical testing. Allele origin: germline. Affected: yes.

Quest Diagnostics Nichols Institute San Juan Capistrano
Classification: Benign. Last evaluated: 2023-01-30. Review status: criteria provided, single submitter. Criteria: Quest Diagnostics criteria. Collection method: clinical testing. Allele origin: unknown.

Fulgent Genetics
Classification: Likely benign for Fanconi anemia complementation group A. Last evaluated: 2021-08-09. Review status: criteria provided, single submitter. Criteria: ACMG Guidelines, 2015. Collection method: clinical testing. Allele origin: unknown.

Illumina Laboratory Services, Illumina
Classification: Likely benign for Fanconi anemia complementation group A. Last evaluated: 2017-04-28. Review status: criteria provided, single submitter. Criteria: ICSL Variant Classification Criteria 13 December 2019. Collection method: clinical testing. Allele origin: germline.
Comment: This variant was observed as part of a predisposition screen in an ostensibly healthy population. A literature search was performed for the gene, cDNA change, and amino acid change (where applicable). No publications were found based on this search. Allele frequency data from public databases allowed determination this variant is unlikely to cause disease. Therefore, this variant is classified as likely benign.

Genetic Services Laboratory, University of Chicago
Classification: Likely benign. Last evaluated: 2016-01-07. Review status: criteria provided, single submitter. Criteria: ACMG Guidelines, 2015. Collection method: clinical testing. Allele origin: germline. Affected: no.

ITMI
No classification provided. Condition: AllHighlyPenetrant. Last evaluated: 2013-09-19. Review status: no classification provided. Collection method: reference population. Allele origin: germline. Not counted in ClinVar's aggregate classification.
Comment: Please see associated publication for description of ethnicities

Literature cited by the submitters: PubMed 24728327 (cited by Quest Diagnostics Nichols Institute San Juan Capistrano and ITMI); PubMed 34585473 (cited by Quest Diagnostics Nichols Institute San Juan Capistrano).

NM_000135.4(FANCA):c.3538G>A (p.Val1180Met)

Gene: FANCA (FA complementation group A; minus strand). Cytogenetic location: 16q24.3.
Variant type: single nucleotide variant.
Coding change: c.3538G>A on transcript NM_000135.4 (MANE Select); coding-DNA position 3538, G replaced by A.
Protein change: p.Val1180Met; replaces valine 1180 with methionine.
Molecular consequence: missense variant.
Genome position (GRCh38, 1-based): chr16:89,745,047, C>T on the plus strand (G>A on the coding strand, the complement: FANCA is on the minus strand). VCF-style: chr16-89745047-C-T. GRCh37 (hg19) VCF-style: chr16-89811455-C-T.
Other names: c.3538G>A (LRG_495t1, NM_000135.3); c.3538G>A, p.Val1180Met (NM_001286167.3); short protein forms V1180M.
Identifiers: ClinVar variation 134270 (VCV000134270.23), dbSNP rs372706571, ClinGen allele CA159316.